The following is an entry in ClinVar:

NM_015340.4(LARS2):c.180G>C (p.Glu60Asp)

Gene: LARS2 (leucyl-tRNA synthetase 2, mitochondrial; plus strand). Cytogenetic location: 3p21.31.
Variant type: single nucleotide variant.
Coding change: c.180G>C on transcript NM_015340.4 (MANE Select); coding-DNA position 180, G replaced by C.
Protein change: p.Glu60Asp; replaces glutamic acid 60 with aspartic acid.
Molecular consequence: missense variant.
Genome position (GRCh38, 1-based): chr3:45,394,633, G>C. VCF-style: chr3-45394633-G-C. GRCh37 (hg19) VCF-style: chr3-45436125-G-C.
Other names: c.180G>C, p.Glu60Asp (NM_001368263.1); short protein forms E60D.
Identifiers: ClinVar variation 505259 (VCV000505259.7), dbSNP rs199568924, ClinGen allele CA2349209.
Genomic context (GRCh38, chr3:45,394,633, plus strand): 5'-CTACAGTGCCACGGGAAAGTGGACAAAAGAGTATACATTGCAGACAAGAAAGGATGTTGA[G>C]AAATGGTGGCATCAACGAATAAAAGAACAGGCCTCCAAAATTTCAGAAGCTGATGTGAGT-3'
Protein context (NP_056155.1, residues 50-70): EYTLQTRKDV[Glu60Asp]KWWHQRIKEQ

ClinVar aggregate classification (germline): Uncertain significance. Review status: criteria provided, multiple submitters, no conflicts (2 of 4 stars). 3 submissions from 3 submitters: Uncertain significance (3). Last evaluated 2022-06-15.

Allele frequency attached by ClinVar (database versions not stated): gnomAD exomes 0.00005 and 0.00010; TOPMed 0.00005; gnomAD 0.00007 and 0.00008; ExAC 0.00008.
gnomAD v4.1: 94 of 1,614,110 alleles (0.0058%); highest among the groups gnomAD compares: Non-Finnish European, 0.00059%; no homozygotes.

Submissions (3):

GeneDx
Classification: Uncertain significance. Last evaluated: 2022-06-15. Review status: criteria provided, single submitter. Criteria: GeneDx Variant Classification Process June 2021. Collection method: clinical testing. Allele origin: germline. Affected: yes.
Comment: In silico analysis supports that this missense variant has a deleterious effect on protein structure/function; Has not been previously published as pathogenic or benign to our knowledge

Laboratory for Molecular Medicine, Mass General Brigham Personalized Medicine
Classification: Uncertain significance. Last evaluated: 2016-08-16. Review status: criteria provided, single submitter. Criteria: LMM Criteria. Collection method: clinical testing. Allele origin: germline. Observed: 1 variant allele.
Comment: The p.Glu60Asp variant in LARS2 has not been previously reported in individuals with hearing loss or Perrault syndrome, but it has been identified in 10/66636 E uropean chromosomes by the Exome Aggregation Consortium (ExAC; dbSNP rs199568924). Although this variant has been seen in the ge neral population, its frequency is not high enough to rule out a pathogenic role . Computational prediction tools and conservation analyses do not provide strong support for or against an impact to the protein. In summary, the clinical signi ficance of the p.Glu60Asp variant is uncertain.

Breakthrough Genomics
Classification: Uncertain significance. Review status: criteria provided, single submitter. Criteria: ACMG Guidelines, 2015. Collection method: not provided. Allele origin: germline. Inheritance: Autosomal recessive inheritance. Affected: yes.